The following is an entry in ClinVar:

NM_014727.3(KMT2B):c.3139C>G (p.Arg1047Gly)

Gene: KMT2B (lysine methyltransferase 2B; plus strand). Cytogenetic location: 19q13.12.
Variant type: single nucleotide variant.
Coding change: c.3139C>G on transcript NM_014727.3 (MANE Select); coding-DNA position 3139, C replaced by G.
Protein change: p.Arg1047Gly; replaces arginine 1047 with glycine.
Molecular consequence: missense variant.
Genome position (GRCh38, 1-based): chr19:35,723,812, C>G. VCF-style: chr19-35723812-C-G. GRCh37 (hg19) VCF-style: chr19-36214713-C-G.
Other names: short protein forms R1047G.
Identifiers: ClinVar variation 3765956 (VCV003765956.1).

ClinVar aggregate classification (germline): Uncertain significance (1 of 4 stars; one submission).

Submission:

GeneDx
Classification: Uncertain significance. Last evaluated: 2024-08-31. Review status: criteria provided, single submitter. Criteria: GeneDx Variant Classification Process June 2021. Collection method: clinical testing. Allele origin: germline. Affected: yes.
Comment: Not observed at significant frequency in large population cohorts (gnomAD); In silico analysis indicates that this missense variant does not alter protein structure/function; Has not been previously published as pathogenic or benign to our knowledge